The following is an entry in ClinVar:

NC_000019.10:g.39480813A>G

Gene: TIMM50 (translocase of inner mitochondrial membrane 50; plus strand). Cytogenetic location: 19q13.2.
Variant type: single nucleotide variant.
Genome position: GRCh38 VCF-style: chr19-39480813-A-G. GRCh37 (hg19) VCF-style: chr19-39971453-A-G.
Identifiers: ClinVar variation 2112368 (VCV002112368.4), dbSNP rs2514609314, ClinGen allele CA405785713.

ClinVar aggregate classification (germline): Uncertain significance (1 of 4 stars; one submission).

Allele frequency attached by ClinVar (database versions not stated): gnomAD exomes below 0.00001.

Submission:

Labcorp Genetics (formerly Invitae), Labcorp
Classification: Uncertain significance. Last evaluated: 2025-06-09. Review status: criteria provided, single submitter. Criteria: Invitae Variant Classification Sherloc (09022015). Collection method: clinical testing. Allele origin: germline.
Comment: This sequence change replaces lysine, which is basic and polar, with arginine, which is basic and polar, at codon 90 of the TIMM50 protein (p.Lys90Arg). This variant is not present in population databases (gnomAD no frequency). This variant has not been reported in the literature in individuals affected with TIMM50-related conditions. ClinVar contains an entry for this variant (Variation ID: 2112368). An algorithm developed to predict the effect of missense changes on protein structure and function outputs the following: PolyPhen-2: "Benign". The arginine amino acid residue is found in multiple mammalian species, which suggests that this missense change does not adversely affect protein function. In summary, the available evidence is currently insufficient to determine the role of this variant in disease. Therefore, it has been classified as a Variant of Uncertain Significance.